The following is an entry in ClinVar:

ClinVar aggregate classification (germline): Conflicting classifications of pathogenicity. Review status: criteria provided, conflicting classifications (1 of 4 stars). 4 submissions from 4 submitters: Uncertain significance (1); Likely benign (3). Last evaluated 2025-05-01.

Allele frequency attached by ClinVar (database versions not stated): gnomAD exomes 0.00011 and 0.00013; gnomAD 0.00012 and 0.00013; ExAC 0.00017; TOPMed 0.00017; ESP Exome Variant Server 0.00038.
gnomAD v4.1: 181 of 1,610,286 alleles (0.011%); highest among the groups gnomAD compares: Middle Eastern, 0.066%; no homozygotes.

Submissions (4):

CeGaT Center for Human Genetics Tuebingen
Classification: Likely benign. Last evaluated: 2025-05-01. Review status: criteria provided, single submitter. Criteria: CeGaT Center For Human Genetics Tuebingen Variant Classification Criteria Version 2. Collection method: clinical testing. Allele origin: germline. Affected: yes. Observed: 3 variant alleles.
Comment: CPLANE1: BP4, BP7

Blueprint Genetics
Classification: Likely benign. Last evaluated: 2024-04-23. Review status: criteria provided, single submitter. Criteria: ACMG Guidelines, 2015. Collection method: clinical testing. Allele origin: germline.

Labcorp Genetics (formerly Invitae), Labcorp
Classification: Uncertain significance. Last evaluated: 2022-10-13. Review status: criteria provided, single submitter. Criteria: Invitae Variant Classification Sherloc (09022015). Collection method: clinical testing. Allele origin: germline.
Comment: This sequence change affects codon 2932 of the CPLANE1 mRNA. It is a 'silent' change, meaning that it does not change the encoded amino acid sequence of the CPLANE1 protein. It affects a nucleotide within the consensus splice site. This variant is present in population databases (rs138495618, gnomAD 0.02%). This variant has not been reported in the literature in individuals affected with CPLANE1-related conditions. ClinVar contains an entry for this variant (Variation ID: 640502). Algorithms developed to predict the effect of sequence changes on RNA splicing suggest that this variant is not likely to affect RNA splicing. In summary, the available evidence is currently insufficient to determine the role of this variant in disease. Therefore, it has been classified as a Variant of Uncertain Significance.

GeneDx
Classification: Likely benign. Last evaluated: 2021-01-19. Review status: criteria provided, single submitter. Criteria: GeneDx Variant Classification Process June 2021. Collection method: clinical testing. Allele origin: germline. Affected: yes.

NM_001384732.1(CPLANE1):c.8958A>G (p.Pro2986=)

Gene: CPLANE1 (ciliogenesis and planar polarity effector complex subunit 1; minus strand). Cytogenetic location: 5p13.2.
Variant type: single nucleotide variant.
Coding change: c.8958A>G on transcript NM_001384732.1 (MANE Select); coding-DNA position 8958, A replaced by G.
Protein change: p.Pro2986=; no amino-acid change (proline 2986 retained).
Molecular consequence: synonymous variant.
Genome position (GRCh38, 1-based): chr5:37,125,244, T>C on the plus strand (A>G on the coding strand, the complement: CPLANE1 is on the minus strand). VCF-style: chr5-37125244-T-C. GRCh37 (hg19) VCF-style: chr5-37125346-T-C.
Other names: c.8796A>G, p.Pro2932= (NM_023073.4).
Identifiers: ClinVar variation 640502 (VCV000640502.33), dbSNP rs138495618, ClinGen allele CA3237624.